The following is an entry in ClinVar:

GRCh38/hg38 13q31.3(chr13:93345058-93629454)x1

Gene: GPC6 (glypican 6; plus strand). Cytogenetic location: 13q31.3.
Variant type: copy number loss.
Change: copy number 1 (one copy instead of two) of chr13:93,345,058-93,629,454 (284.4 kb, GRCh38 coordinates, 1-based), cytogenetic band 13q31.3.
Identifiers: ClinVar variation 58177 (VCV000058177.2).

ClinVar aggregate classification (germline): Uncertain significance (0 of 4 stars; one submission).

Submission:

ISCA site 1
Classification: Uncertain significance. Last evaluated: 2011-05-06. Review status: no assertion criteria provided. Collection method: clinical testing. Allele origin: maternal. Affected: yes. Observed: 1 variant allele.
Comment: Copy number variation identified through the course of routine clinical cytogenomic testing in postnatal populations. Clinical assertions have been curated as described in Kaminsky et al. 2011.

Copy number variation identified through the course of routine clinical cytogenomic testing in postnatal populations. Clinical assertions have been curated as described in Kaminsky, et al. 2011 (PubMed 21844811). For additional ClinGen data, please see nstd37.